The following is an entry in ClinVar:

NM_012293.3(PXDN):c.2999C>T (p.Thr1000Met)

Gene: PXDN (peroxidasin; minus strand). Cytogenetic location: 2p25.3.
Variant type: single nucleotide variant.
Coding change: c.2999C>T on transcript NM_012293.3 (MANE Select); coding-DNA position 2999, C replaced by T.
Protein change: p.Thr1000Met; replaces threonine 1000 with methionine.
Molecular consequence: missense variant.
Genome position (GRCh38, 1-based): chr2:1,648,781, G>A on the plus strand (C>T on the coding strand, the complement: PXDN is on the minus strand). VCF-style: chr2-1648781-G-A. GRCh37 (hg19) VCF-style: chr2-1652553-G-A.
Other names: short protein forms T1000M.
Identifiers: ClinVar variation 772728 (VCV000772728.10), dbSNP rs201077249, ClinGen allele CA1512836.

ClinVar aggregate classification (germline): Likely benign. Review status: criteria provided, multiple submitters, no conflicts (2 of 4 stars). 2 submissions from 2 submitters: Likely benign (2). Last evaluated 2025-07-29.

Conditions:
PXDN-related disorder. Also called: PXDN-related condition.
Anterior segment dysgenesis 7 (ASGD7). Also called: Anterior segment dysgenesis 7, with sclerocornea; SCLEROCORNEA WITH OTHER OCULAR ANOMALIES. Identifiers: Orphanet 289499, MedGen C3151617, MONDO:0010015, OMIM 269400.

Allele frequency attached by ClinVar (database versions not stated): gnomAD 0.00015; TOPMed 0.00015; 1000 Genomes Project 0.00020; 1000 Genomes Project 30x 0.00031; ExAC 0.00051; gnomAD exomes 0.00065.
gnomAD v4.1: 187 of 1,604,100 alleles (0.012%); highest among the groups gnomAD compares: Admixed American, 0.31%; 3 homozygotes.

Submissions (2):

Labcorp Genetics (formerly Invitae), Labcorp
Classification: Likely benign for Anterior segment dysgenesis 7. Last evaluated: 2025-07-29. Review status: criteria provided, single submitter. Criteria: Invitae Variant Classification Sherloc (09022015). Collection method: clinical testing. Allele origin: germline.

PreventionGenetics, part of Exact Sciences
Classification: Likely benign for PXDN-related condition. Last evaluated: 2024-12-23. Review status: criteria provided, single submitter. Criteria: ACMG Guidelines, 2015. Collection method: clinical testing. Allele origin: germline.
Comment: This variant is classified as likely benign based on ACMG/AMP sequence variant interpretation guidelines (Richards et al. 2015 PMID: 25741868, with internal and published modifications).